The following is an entry in ClinVar:

NM_001854.4(COL11A1):c.2655+6T>A

Gene: COL11A1 (collagen type XI alpha 1 chain; minus strand). Cytogenetic location: 1p21.1.
Variant type: single nucleotide variant.
Coding change: c.2655+6T>A on transcript NM_001854.4 (MANE Select); 6 bases into the intron after coding-DNA position 2655, T replaced by A.
Molecular consequence: intron variant.
Genome position (GRCh38, 1-based): chr1:102,979,054, A>T on the plus strand (T>A on the coding strand, the complement: COL11A1 is on the minus strand). VCF-style: chr1-102979054-A-T. GRCh37 (hg19) VCF-style: chr1-103444610-A-T.
Other names: c.2538+6T>A (NM_001190709.2); c.2691+6T>A (NM_080629.3); c.2307+6T>A (NM_080630.4).
Identifiers: ClinVar variation 2110827 (VCV002110827.4), dbSNP rs1215336596, ClinGen allele CA524898527.
Genomic context (GRCh38, chr1:102,979,054, plus strand): 5'-ATAAATTATCTTGATACACTAAATTCAATATGAAAAATGTACATCATTTTAAATCAAGGC[A>T]CCTACCGTTGGACCACGCTGACCCCGAGGGCCTGGTTTGCCAGCTACTCCCTAGCAAAGA-3'

ClinVar aggregate classification (germline): Uncertain significance (1 of 4 stars; one submission).

Allele frequency attached by ClinVar (database versions not stated): gnomAD exomes below 0.00001.
gnomAD v4.1: 4 of 1,614,066 alleles (0.00025%); highest among the groups gnomAD compares: South Asian, 0.0022%; no homozygotes.

Submission:

Labcorp Genetics (formerly Invitae), Labcorp
Classification: Uncertain significance. Last evaluated: 2024-02-26. Review status: criteria provided, single submitter. Criteria: Invitae Variant Classification Sherloc (09022015). Collection method: clinical testing. Allele origin: germline.
Comment: This sequence change falls in intron 33 of the COL11A1 gene. It does not directly change the encoded amino acid sequence of the COL11A1 protein. It affects a nucleotide within the consensus splice site. This variant is present in population databases (no rsID available, gnomAD 0.006%). This variant has not been reported in the literature in individuals affected with COL11A1-related conditions. ClinVar contains an entry for this variant (Variation ID: 2110827). Variants that disrupt the consensus splice site are a relatively common cause of aberrant splicing (PMID: 17576681, 9536098). Algorithms developed to predict the effect of sequence changes on RNA splicing suggest that this variant may disrupt the consensus splice site. In summary, the available evidence is currently insufficient to determine the role of this variant in disease. Therefore, it has been classified as a Variant of Uncertain Significance.

Literature cited by the submitters: PubMed 17576681; PubMed 9536098.